The following is an entry in ClinVar:

ClinVar aggregate classification (germline): Uncertain significance (1 of 4 stars; one submission).

Allele frequency attached by ClinVar (database versions not stated): TOPMed 0.00002; gnomAD 0.00003 and 0.00004; gnomAD exomes 0.00007.

Submission:

Labcorp Genetics (formerly Invitae), Labcorp
Classification: Uncertain significance. Last evaluated: 2021-09-24. Review status: criteria provided, single submitter. Criteria: Invitae Variant Classification Sherloc (09022015). Collection method: clinical testing. Allele origin: germline.
Comment: This sequence change replaces proline with histidine at codon 34 of the SMARCD2 protein (p.Pro34His). The proline residue is weakly conserved and there is a moderate physicochemical difference between proline and histidine. The frequency data for this variant in the population databases is considered unreliable, as metrics indicate insufficient coverage at this position in the ExAC database. This variant has not been reported in the literature in individuals with SMARCD2-related conditions. Algorithms developed to predict the effect of missense changes on protein structure and function are either unavailable or do not agree on the potential impact of this missense change (SIFT: "Deleterious"; PolyPhen-2: "Not Available"; Align-GVGD: "Class C0"). In summary, the available evidence is currently insufficient to determine the role of this variant in disease. Therefore, it has been classified as a Variant of Uncertain Significance.

NM_001098426.2(SMARCD2):c.101C>A (p.Pro34His)

Genes: SMARCD2 (SWI/SNF related BAF chromatin remodeling complex subunit D2; minus strand), LOC130061409 (ATAC-STARR-seq lymphoblastoid silent region 8832; plus strand). Cytogenetic location: 17q23.3.
Variant type: single nucleotide variant.
Coding change: c.101C>A on transcript NM_001098426.2 (MANE Select); coding-DNA position 101, C replaced by A.
Protein change: p.Pro34His; replaces proline 34 with histidine.
Molecular consequence: missense variant.
Genome position (GRCh38, 1-based): chr17:63,842,574, G>T on the plus strand (C>A on the coding strand, the complement: SMARCD2 is on the minus strand). VCF-style: chr17-63842574-G-T. GRCh37 (hg19) VCF-style: chr17-61919934-G-T.
Other names: short protein forms P34H.
Identifiers: ClinVar variation 1511093 (VCV001511093.5), dbSNP rs1011894519, ClinGen allele CA292957787.